The following is an entry in ClinVar:

ClinVar aggregate classification (germline): Likely benign. Review status: criteria provided, single submitter (1 of 4 stars). 2 submissions from 2 submitters: Likely benign (1). 1 of the submissions does not count toward it. Last evaluated 2024-06-03.

Conditions:
XYLT2-related disorder. Also called: XYLT2-related condition.

Allele frequency attached by ClinVar (database versions not stated): gnomAD exomes 0.00001; TOPMed 0.00003; ExAC 0.00006; gnomAD 0.00001.
gnomAD v4.1: 17 of 1,611,002 alleles (0.0011%); highest among the groups gnomAD compares: Admixed American, 0.025%; no homozygotes.

Submissions (2):

Labcorp Genetics (formerly Invitae), Labcorp
Classification: Likely benign. Last evaluated: 2024-06-03. Review status: criteria provided, single submitter. Criteria: Invitae Variant Classification Sherloc (09022015). Collection method: clinical testing. Allele origin: germline.

PreventionGenetics, part of Exact Sciences
Classification: Likely benign for XYLT2-related condition. Last evaluated: 2020-01-03. Review status: no assertion criteria provided. Collection method: clinical testing. Allele origin: germline. Not counted in ClinVar's aggregate classification.
Comment: This variant is classified as likely benign based on ACMG/AMP sequence variant interpretation guidelines (Richards et al. 2015 PMID: 25741868, with internal and published modifications).

NM_022167.4(XYLT2):c.780C>T (p.His260=)

Gene: XYLT2 (xylosyltransferase 2; plus strand). Cytogenetic location: 17q21.33.
Variant type: single nucleotide variant.
Coding change: c.780C>T on transcript NM_022167.4 (MANE Select); coding-DNA position 780, C replaced by T.
Protein change: p.His260=; no amino-acid change (histidine 260 retained).
Molecular consequence: synonymous variant.
Genome position (GRCh38, 1-based): chr17:50,354,559, C>T. VCF-style: chr17-50354559-C-T. GRCh37 (hg19) VCF-style: chr17-48431920-C-T.
Identifiers: ClinVar variation 2062964 (VCV002062964.6), dbSNP rs759594243, ClinGen allele CA8646261.